The following is an entry in ClinVar:

ClinVar aggregate classification (germline): Uncertain significance (1 of 4 stars; one submission).

Conditions:
Cardiovascular phenotype. Identifiers: MedGen CN230736.

gnomAD v4.1: 1 of 1,549,940 alleles (0.000065%); highest among the groups gnomAD compares: Non-Finnish European, 0.000087%; no homozygotes.

Submission:

Ambry Genetics
Classification: Uncertain significance for Cardiovascular phenotype. Last evaluated: 2025-06-10. Review status: criteria provided, single submitter. Criteria: Ambry Variant Classification Scheme 2023. Collection method: clinical testing. Allele origin: germline.
Comment: The p.S2629A variant (also known as c.7885T>G), located in coding exon 2 of the ZNF469 gene, results from a T to G substitution at nucleotide position 7885. The serine at codon 2629 is replaced by alanine, an amino acid with similar properties. This amino acid position is conserved. In addition, this alteration is predicted to be tolerated by in silico analysis. Based on the available evidence, the clinical significance of this variant remains unclear.

NM_001367624.2(ZNF469):c.7969T>G (p.Ser2657Ala)

Gene: ZNF469 (zinc finger protein 469; plus strand). Cytogenetic location: 16q24.2.
Variant type: single nucleotide variant.
Coding change: c.7969T>G on transcript NM_001367624.2 (MANE Select); coding-DNA position 7969, T replaced by G.
Protein change: p.Ser2657Ala; replaces serine 2657 with alanine.
Molecular consequence: missense variant.
Genome position (GRCh38, 1-based): chr16:88,435,439, T>G. VCF-style: chr16-88435439-T-G. GRCh37 (hg19) VCF-style: chr16-88501847-T-G.
Other names: NM_001127464.1:c.7885T>G; short protein forms S2657A.
Identifiers: ClinVar variation 3987387 (VCV003987387.1).
Genomic context (GRCh38, chr16:88,435,439, plus strand): 5'-AAGCTGAGAGGGAGAAGGCTCCGGGAGGAGAGCATTCTTCCAGTCTCTGCTGATGTGATT[T>G]CAGATGGGCGCGGCTCCAGACCATCCCCTGCAATGGCCAGTTACGCAGCCTCTCCGAGCC-3'
Protein context (NP_001354553.1, residues 2647-2667): SILPVSADVI[Ser2657Ala]DGRGSRPSPA